The following is an entry in ClinVar:

ClinVar aggregate classification (germline): Uncertain significance (1 of 4 stars; one submission).

Conditions:
Hermansky-Pudlak syndrome 9 (HPS9). Identifiers: Orphanet 280663, Orphanet 79430, MedGen C3280026, MONDO:0013606, OMIM 614171.

Submission:

Labcorp Genetics (formerly Invitae), Labcorp
Classification: Uncertain significance for Hermansky-Pudlak syndrome 9. Last evaluated: 2022-04-25. Review status: criteria provided, single submitter. Criteria: Invitae Variant Classification Sherloc (09022015). Collection method: clinical testing. Allele origin: germline.
Comment: A copy number gain of the genomic region encompassing the full coding sequence of the BLOC1S6 gene has been identified. The boundaries of this event are unknown as they extend beyond the assayed region for this gene and therefore may encompass additional genes. As the precise location of this event is unknown, it may be in tandem or it may be located elsewhere in the genome. This variant has not been reported in the literature in individuals affected with BLOC1S6-related conditions. In summary, the available evidence is currently insufficient to determine the role of this variant in disease. Therefore, it has been classified as a Variant of Uncertain Significance.

NC_000015.9:g.(?_45879642)_(45898712_?)dup

Gene: BLOC1S6 (biogenesis of lysosomal organelles complex 1 subunit 6; plus strand). Cytogenetic location: 15q21.1.
Variant type: Duplication.
Identifiers: ClinVar variation 2425801 (VCV002425801.3).